The following is an entry in ClinVar:

ClinVar aggregate classification (germline): Uncertain significance (1 of 4 stars; one submission).

Conditions:
Emery-Dreifuss muscular dystrophy 4, autosomal dominant (EDMD4). Also called: EMERY-DREIFUSS MUSCULAR DYSTROPHY 4 WITH VARIABLE FEATURES. Identifiers: Orphanet 261, MedGen C2751807, MONDO:0013071, OMIM 612998.
Autosomal recessive ataxia, Beauce type. Also called: SYNE1-Related Autosomal Recessive Cerebellar Ataxia; SYNE1 Deficiency; Spinocerebellar ataxia, autosomal recessive 8; ATAXIA, RECESSIVE, OF BEAUCE. Identifiers: Orphanet 88644, MedGen C1853116, MONDO:0012549, OMIM 610743.

Submission:

Labcorp Genetics (formerly Invitae), Labcorp
Classification: Uncertain significance for Emery-Dreifuss muscular dystrophy 4, autosomal dominant; Autosomal recessive ataxia, Beauce type. Last evaluated: 2022-04-30. Review status: criteria provided, single submitter. Criteria: Invitae Variant Classification Sherloc (09022015). Collection method: clinical testing. Allele origin: germline.
Comment: This sequence change replaces threonine, which is neutral and polar, with alanine, which is neutral and non-polar, at codon 4046 of the SYNE1 protein (p.Thr4046Ala). This variant is not present in population databases (gnomAD no frequency). This variant has not been reported in the literature in individuals affected with SYNE1-related conditions. Algorithms developed to predict the effect of missense changes on protein structure and function (SIFT, PolyPhen-2, Align-GVGD) all suggest that this variant is likely to be tolerated. In summary, the available evidence is currently insufficient to determine the role of this variant in disease. Therefore, it has been classified as a Variant of Uncertain Significance.

NM_182961.4(SYNE1):c.12349A>G (p.Thr4117Ala)

Gene: SYNE1 (spectrin repeat containing nuclear envelope protein 1; minus strand). Cytogenetic location: 6q25.2.
Variant type: single nucleotide variant.
Coding change: c.12349A>G on transcript NM_182961.4 (MANE Select); coding-DNA position 12349, A replaced by G.
Protein change: p.Thr4117Ala; replaces threonine 4117 with alanine.
Molecular consequence: missense variant.
Genome position (GRCh38, 1-based): chr6:152,339,243, T>C on the plus strand (A>G on the coding strand, the complement: SYNE1 is on the minus strand). VCF-style: chr6-152339243-T-C. GRCh37 (hg19) VCF-style: chr6-152660378-T-C.
Other names: c.12136A>G, p.Thr4046Ala (NM_033071.5); short protein forms T4046A, T4117A.
Identifiers: ClinVar variation 1926835 (VCV001926835.3), dbSNP rs2486176119, ClinGen allele CA366109514.